The following is an entry in ClinVar:

ClinVar aggregate classification (germline): Uncertain significance. Review status: criteria provided, single submitter (1 of 4 stars). 2 submissions from 2 submitters: Uncertain significance (1). 1 of the submissions does not count toward it. Last evaluated 2019-02-12.

Conditions:
Combined immunodeficiency with skin granulomas. Identifiers: Orphanet 157949, MedGen C2673536, MONDO:0009306, OMIM 233650.
Severe combined immunodeficiency, autosomal recessive, T cell-negative, B cell-negative, NK cell-positive. Also called: SCID, AR, T-cell negative, B-cell negative, NK cell-positive; SCID, T CELL-NEGATIVE, B CELL-NEGATIVE, NK CELL-POSITIVE; Severe combined immunodeficiency due to complete RAG1/2 deficiency. Identifiers: Orphanet 331206, MedGen C1832322, MONDO:0011086, OMIM 601457.
Histiocytic medullary reticulosis. Also called: SEVERE COMBINED IMMUNODEFICIENCY WITH HYPEREOSINOPHILIA; Omenn syndrome. Identifiers: Orphanet 39041, MedGen C2700553, MONDO:0011338, OMIM 603554.

gnomAD v4.1: 8 of 1,613,892 alleles (0.0005%); highest among the groups gnomAD compares: Non-Finnish European, 0.00068%; no homozygotes.

Submissions (2):

Labcorp Genetics (formerly Invitae), Labcorp
Classification: Uncertain significance for Combined cellular and humoral immune defects with granulomas; Severe immunodeficiency, autosomal recessive, T-cell negative, B-cell negative, NK cell-positive. Last evaluated: 2019-02-12. Review status: criteria provided, single submitter. Criteria: Invitae Variant Classification Sherloc (09022015). Collection method: clinical testing. Allele origin: germline.
Comment: This sequence change replaces glutamine with lysine at codon 282 of the RAG2 protein (p.Gln282Lys). The glutamine residue is highly conserved and there is a small physicochemical difference between glutamine and lysine. This variant is not present in population databases (ExAC no frequency). This variant has not been reported in the literature in individuals with RAG2-related conditions. Algorithms developed to predict the effect of missense changes on protein structure and function output the following: SIFT: "Deleterious"; PolyPhen-2: "Probably Damaging"; Align-GVGD: "Class C0". The lysine amino acid residue is found in multiple mammalian species, suggesting that this missense change does not adversely affect protein function. These predictions have not been confirmed by published functional studies and their clinical significance is uncertain. In summary, the available evidence is currently insufficient to determine the role of this variant in disease. Therefore, it has been classified as a Variant of Uncertain Significance.

Natera, Inc.
Classification: Uncertain significance for Omenn syndrome. Last evaluated: 2021-10-11. Review status: no assertion criteria provided. Collection method: clinical testing. Allele origin: germline. Not counted in ClinVar's aggregate classification.

NM_000536.4(RAG2):c.844C>A (p.Gln282Lys)

Gene: RAG2 (recombination activating 2; minus strand). Cytogenetic location: 11p12.
Variant type: single nucleotide variant.
Coding change: c.844C>A on transcript NM_000536.4 (MANE Select); coding-DNA position 844, C replaced by A.
Protein change: p.Gln282Lys; replaces glutamine 282 with lysine.
Molecular consequence: missense variant.
Genome position (GRCh38, 1-based): chr11:36,593,325, G>T on the plus strand (C>A on the coding strand, the complement: RAG2 is on the minus strand). VCF-style: chr11-36593325-G-T. GRCh37 (hg19) VCF-style: chr11-36614875-G-T.
Other names: c.844C>A, p.Gln282Lys (NM_001243785.2, NM_001243786.2); short protein forms Q282K.
Identifiers: ClinVar variation 856929 (VCV000856929.2), dbSNP rs1851073997, ClinGen allele CA380141990.